The following is an entry in ClinVar:

ClinVar aggregate classification (germline): Uncertain significance (1 of 4 stars; one submission).

Conditions:
Adams-Oliver syndrome 5 (AOS5). Identifiers: Orphanet 974, MedGen C4014970, MONDO:0014459, OMIM 616028.

Allele frequency attached by ClinVar (database versions not stated): TOPMed below 0.00001.

Submission:

Labcorp Genetics (formerly Invitae), Labcorp
Classification: Uncertain significance for Adams-Oliver syndrome 5. Last evaluated: 2024-01-02. Review status: criteria provided, single submitter. Criteria: Invitae Variant Classification Sherloc (09022015). Collection method: clinical testing. Allele origin: germline.
Comment: This sequence change replaces asparagine, which is neutral and polar, with aspartic acid, which is acidic and polar, at codon 257 of the NOTCH1 protein (p.Asn257Asp). This variant is not present in population databases (gnomAD no frequency). This variant has not been reported in the literature in individuals affected with NOTCH1-related conditions. Advanced modeling of protein sequence and biophysical properties (such as structural, functional, and spatial information, amino acid conservation, physicochemical variation, residue mobility, and thermodynamic stability) performed at Invitae indicates that this missense variant is not expected to disrupt NOTCH1 protein function with a negative predictive value of 95%. In summary, the available evidence is currently insufficient to determine the role of this variant in disease. Therefore, it has been classified as a Variant of Uncertain Significance.

NM_017617.5(NOTCH1):c.769A>G (p.Asn257Asp)

Gene: NOTCH1 (notch receptor 1; minus strand). Cytogenetic location: 9q34.3.
Variant type: single nucleotide variant.
Coding change: c.769A>G on transcript NM_017617.5 (MANE Select); coding-DNA position 769, A replaced by G.
Protein change: p.Asn257Asp; replaces asparagine 257 with aspartic acid.
Molecular consequence: missense variant.
Genome position (GRCh38, 1-based): chr9:136,519,539, T>C on the plus strand (A>G on the coding strand, the complement: NOTCH1 is on the minus strand). VCF-style: chr9-136519539-T-C. GRCh37 (hg19) VCF-style: chr9-139413991-T-C.
Other names: short protein forms N257D.
Identifiers: ClinVar variation 2973003 (VCV002973003.3), dbSNP rs1318946659, ClinGen allele CA375566747.